The following is an entry in ClinVar:

NM_000501.4(ELN):c.1208del (p.Gly403fs)

Gene: ELN (elastin; plus strand). Cytogenetic location: 7q11.23.
Variant type: Deletion.
Coding change: c.1208del on transcript NM_000501.4 (MANE Select); coding-DNA position 1208, one base deleted (G; older notation c.1208delG).
Protein change: p.Gly403fs; shifts the reading frame from glycine 403.
Molecular consequence: frameshift variant.
Genome position (GRCh38, 1-based): chr7:74,056,328, G deleted; the last of 5 consecutive G bases (chr7:74,056,324-74,056,328); deleting any one gives the same sequence. VCF-style (leftmost placement, unchanged base first): chr7-74056323-TG-T. GRCh37 (hg19) VCF-style: chr7-73470653-TG-T.
Other names: c.1178del, p.Gly393fs (NM_001081752.3, NM_001278917.2); c.1223del, p.Gly408fs (NM_001081753.3, NM_001081754.3); c.1208del, p.Gly403fs (NM_001081755.3, NM_001278912.2, NM_001278915.2 and 1 more transcripts); c.1100del, p.Gly367fs (NM_001278913.2); c.1193del, p.Gly398fs (NM_001278914.2); c.1166del, p.Gly389fs (NM_001278916.2); c.1076del, p.Gly359fs (NM_001278918.2); short protein forms G367fs, G359fs, G398fs, G389fs, G403fs, G393fs, G408fs.
Identifiers: ClinVar variation 177996 (VCV000177996.4), dbSNP rs727504433, ClinGen allele CA281484.
Genomic context (GRCh38, chr7:74,056,323, plus strand): 5'-CTCTGCAGGGGCCAGGCCCGGAGTCGGAGTTGGAGGCATTCCTACTTACGGGGTTGGAGC[TG>T]GGGGCTTTCCCGGCTTTGGTGTCGGAGTCGGAGGTATCCCTGGAGTCGCAGGTGTCCCTG-3'

ClinVar aggregate classification (germline): Pathogenic (1 of 4 stars; one submission).

Conditions:
Supravalvar aortic stenosis (SVAS). Also called: Supravalvar aortic stenosis, Eisenberg type. Identifiers: Orphanet 3193, MedGen C0003499, MONDO:0008504, OMIM 185500, HP:0004381.

Submission:

Laboratory for Molecular Medicine, Mass General Brigham Personalized Medicine
Classification: Pathogenic for Supravalvular aortic stenosis. Last evaluated: 2012-03-02. Review status: criteria provided, single submitter. Criteria: LMM Criteria. Collection method: clinical testing. Allele origin: germline. Observed: 1 variant allele.
Comment: The Gly403fs variant (ELN) has not been reported in the literature nor previousl y identified by our laboratory. This variant is predicted to cause a frameshift, which alters the protein's amino acid sequence beginning at position 403 and le ads to a premature termination codon 71 amino acids downstream. This alteration is predicted to lead to a truncated or absent protein and therefore to a heteroz ygous loss of function of the Elastin (ELN) gene. Loss of function of the ELN ge ne is an established mechanism of disease in SVAS (Human Gene Mutation Database, HGMD). In summary, the Gly403fs variant meets out pathogenicity criteria.